The following is an entry in ClinVar:

NM_000059.4(BRCA2):c.9057del (p.Lys3019fs)

Gene: BRCA2 (BRCA2 DNA repair associated; plus strand). Cytogenetic location: 13q13.1.
Variant type: Deletion.
Coding change: c.9057del on transcript NM_000059.4 (MANE Select); coding-DNA position 9057, one base deleted (A; older notation c.9057delA).
Protein change: p.Lys3019fs; shifts the reading frame from lysine 3019.
Molecular consequence: frameshift variant.
Genome position (GRCh38, 1-based): chr13:32,379,853, A deleted; the last of 3 consecutive A bases (chr13:32,379,851-32,379,853); deleting any one gives the same sequence. VCF-style (leftmost placement, unchanged base first): chr13-32379850-TA-T. GRCh37 (hg19) VCF-style: chr13-32953987-TA-T.
Other names: 9285delA; c.9057delA (NM_000059.3); short protein forms K3019fs.
Identifiers: ClinVar variation 52735 (VCV000052735.6), dbSNP rs80359744, ClinGen allele CA025947.

ClinVar aggregate classification (germline): Pathogenic. Review status: reviewed by expert panel (3 of 4 stars). 3 submissions from 3 submitters: Pathogenic (1). 2 of the submissions do not count toward it. Last evaluated 2016-09-08.

Conditions:
Hereditary cancer-predisposing syndrome. Also called: Neoplastic Syndromes, Hereditary; Tumor predisposition; Hereditary neoplastic syndrome; Hereditary Cancer Syndrome. Identifiers: Orphanet 140162, MedGen C0027672, MeSH D009386, MONDO:0015356.
Breast-ovarian cancer, familial, susceptibility to, 2 (BROVCA2). Also called: BRCA2 Hereditary Breast and Ovarian Cancer. Identifiers: Orphanet 145, MedGen C2675520, MONDO:0012933, OMIM 612555. Disease mechanism: loss of function.

Submissions (3):

Evidence-based Network for the Interpretation of Germline Mutant Alleles (ENIGMA)
Classification: Pathogenic for Breast-ovarian cancer, familial, susceptibility to, 2. Last evaluated: 2016-09-08. Review status: reviewed by expert panel. Criteria: ENIGMA BRCA1/2 Classification Criteria (2015). Collection method: curation. Allele origin: germline.
Comment: Variant allele predicted to encode a truncated non-functional protein.

Ambry Genetics
Classification: Pathogenic for Hereditary cancer-predisposing syndrome. Last evaluated: 2021-10-29. Review status: criteria provided, single submitter. Criteria: Ambry Variant Classification Scheme 2023. Collection method: clinical testing. Allele origin: germline. Not counted in ClinVar's aggregate classification.
Comment: The c.9057delA variant, located in coding exon 22 of the BRCA2 gene, results from a deletion of one nucleotide at nucleotide position 9057, causing a translational frameshift with a predicted alternate stop codon (p.K3019Nfs*9). This alteration is expected to result in loss of function by premature protein truncation or nonsense-mediated mRNA decay. As such, this alteration is interpreted as a disease-causing mutation. This variant is considered to be rare based on population cohorts in the Genome Aggregation Database (gnomAD). This alteration is expected to result in loss of function by premature protein truncation or nonsense-mediated mRNA decay. As such, this alteration is interpreted as a disease-causing mutation.

Breast Cancer Information Core (BIC) (BRCA2)
Classification: Pathogenic for Breast-ovarian cancer, familial 2. Last evaluated: 1998-11-30. Review status: no assertion criteria provided. Collection method: clinical testing. Allele origin: germline. Affected: yes. Observed: 1 variant allele. Not counted in ClinVar's aggregate classification.